The following is an entry in ClinVar:

ClinVar aggregate classification (germline): Conflicting classifications of pathogenicity. Review status: criteria provided, conflicting classifications (1 of 4 stars). 13 submissions from 13 submitters: Uncertain significance (9); Likely benign (4). Last evaluated 2026-06-20.

Conditions:
ATM-related disorder. Also called: ATM-related disorders; ATM-related condition.
Hereditary cancer-predisposing syndrome. Also called: Neoplastic Syndromes, Hereditary; Tumor predisposition; Hereditary neoplastic syndrome; Hereditary Cancer Syndrome. Identifiers: Orphanet 140162, MedGen C0027672, MeSH D009386, MONDO:0015356.
Breast and/or ovarian cancer. Identifiers: MedGen CN221562.
Hereditary breast ovarian cancer syndrome. Also called: Hereditary breast and/or ovarian cancer syndrome; Hereditary breast and ovarian cancer syndrome; Hereditary breast and ovarian cancer; Hereditary breast and ovarian cancer syndrome (HBOC); Breast and ovarian cancer; BRCA1- and BRCA2-Associated Hereditary Breast and Ovarian Cancer. Identifiers: Orphanet 145, MedGen C0677776, MeSH D061325, MONDO:0003582. Disease mechanism: loss of function.
Familial cancer of breast. Also called: Hereditary breast cancer; BREAST CANCER, FAMILIAL; hereditary breast carcinoma. Identifiers: Orphanet 227535, MedGen C0346153, MONDO:0016419, OMIM 114480. Disease mechanism: loss of function.
Ataxia-telangiectasia syndrome (AT). Also called: Cerebello-oculocutaneous telangiectasia; Immunodeficiency with ataxia telangiectasia; AT, COMPLEMENTATION GROUP C; LOUIS-BAR SYNDROME; Ataxia-telangiectasia, complementation group E; ATAXIA-TELANGIECTASIA, COMPLEMENTATION GROUP A. Identifiers: Orphanet 100, MedGen C0004135, MONDO:0008840, OMIM 208900.

Allele frequency attached by ClinVar (database versions not stated): ExAC 0.00001; gnomAD 0.00001; gnomAD exomes 0.00001; TOPMed 0.00003.
gnomAD v4.1: 41 of 1,613,776 alleles (0.0025%); highest among the groups gnomAD compares: Middle Eastern, 0.049%; no homozygotes.

Submissions (13):

PreventionGenetics, part of Exact Sciences
Classification: Uncertain significance for ATM-related condition. Last evaluated: 2026-06-20. Review status: criteria provided, single submitter. Criteria: ACMG Guidelines, 2015. Collection method: clinical testing. Allele origin: germline.
Comment: The ATM c.2074C>T variant is predicted to result in the amino acid substitution p.Arg692Cys. This variant has been reported in individuals with a history of breast and/or ovarian cancer, as well as a colorectal tumor specimen (Caminsky et al. 2016. PubMed ID: 26898890, Table S15; Decker et al. 2017. PubMed ID: 28779002, Table S5; Crobach et al. 2016. PubMed ID: 27499925, Table S3). It has also been reported in a control individual from a chronic lymphocytic leukemia cohort (Tiao et al. 2017. PubMed ID: 28652578, Table S6). This variant is reported in 0.0029% of alleles in individuals of Latino descent in gnomAD and has conflicting interpretations of likely benign and uncertain significance in ClinVar (Variation ID: 184752﻿). Although we suspect that this variant may be benign, at this time, the clinical significance of this variant is uncertain due to the absence of conclusive functional and genetic evidence.

St. Jude Molecular Pathology, St. Jude Children's Research Hospital
Classification: Uncertain significance for Familial cancer of breast. Last evaluated: 2026-02-20. Review status: criteria provided, single submitter. Criteria: St. Jude Assertion Criteria 2020. Collection method: clinical testing. Allele origin: germline.
Comment: The ATM c.2074C>T p.(Arg692Cys) missense change has a maximum subpopulation frequency of 0.0029% in gnomAD v2.1.1. The in silico tool REVEL pred icts a benign effect on protein function, but to our knowledge this prediction has not been confirmed by functional studies. This variant has been reported in controls and individuals with breast cancer (PMID: 26898890, 34326862, 28779002, 33471991). To our knowledge, this variant has not been reported in individuals with ataxia telangiectasia. In summary, the evidence currently available is insufficient to determine the clinical significance of this variant. It has therefore been classified as of uncertain significance.

Labcorp Genetics (formerly Invitae), Labcorp
Classification: Uncertain significance for Ataxia-telangiectasia syndrome. Last evaluated: 2026-01-27. Review status: criteria provided, single submitter. Criteria: Invitae Variant Classification Sherloc (09022015). Collection method: clinical testing. Allele origin: germline.
Comment: This sequence change replaces arginine, which is basic and polar, with cysteine, which is neutral and slightly polar, at codon 692 of the ATM protein (p.Arg692Cys). This variant is present in population databases (rs765965513, gnomAD 0.002%). This missense change has been observed in individual(s) with clinical features of ATM-related conditions (PMID: 26898890, 28652578, 34326862). ClinVar contains an entry for this variant (Variation ID: 184752). Invitae Evidence Modeling of protein sequence and biophysical properties (such as structural, functional, and spatial information, amino acid conservation, physicochemical variation, residue mobility, and thermodynamic stability) indicates that this missense variant is not expected to disrupt ATM protein function with a negative predictive value of 95%. In summary, the available evidence is currently insufficient to determine the role of this variant in disease. Therefore, it has been classified as a Variant of Uncertain Significance.

Mayo Clinic Laboratories, Mayo Clinic
Classification: Uncertain significance. Last evaluated: 2025-08-08. Review status: criteria provided, single submitter. Criteria: ACMG Guidelines, 2015. Collection method: clinical testing. Allele origin: germline. Observed: 1 variant allele.
Comment: BP4_moderate

Color Diagnostics, LLC DBA Color Health
Classification: Likely benign for Hereditary cancer-predisposing syndrome. Last evaluated: 2025-05-21. Review status: criteria provided, single submitter. Criteria: ACMG Guidelines, 2015. Collection method: clinical testing. Allele origin: germline.

GeneDx
Classification: Uncertain significance. Last evaluated: 2024-11-12. Review status: criteria provided, single submitter. Criteria: GeneDx Variant Classification Process June 2021. Collection method: clinical testing. Allele origin: germline. Affected: yes.
Comment: Observed in individuals with breast or other cancers as well as in unaffected controls (PMID: 26898890, 28779002, 33471991, 34326862); Not observed at significant frequency in large population cohorts (gnomAD); In silico analysis indicates that this missense variant does not alter protein structure/function; This variant is associated with the following publications: (PMID: 26898890, 27499925, 28779002, 28652578, 33471991, 34326862)

Women's Health and Genetics/Laboratory Corporation of America, LabCorp
Classification: Uncertain significance. Last evaluated: 2024-10-14. Review status: criteria provided, single submitter. Criteria: LabCorp Variant Classification Summary - May 2015. Collection method: clinical testing. Allele origin: germline.
Comment: Variant summary: ATM c.2074C>T (p.Arg692Cys) results in a non-conservative amino acid change in the encoded protein sequence. Four of five in-silico tools predict a benign effect of the variant on protein function. The variant allele was found at a frequency of 1.2e-05 in 251328 control chromosomes. The available data on variant occurrences in the general population are insufficient to allow any conclusion about variant significance. c.2074C>T has been reported in the literature in individuals affected with Breast Cancer (Caminsky_2016, Bhai_2021) without evidence for causality. These report(s) do not provide unequivocal conclusions about association of the variant with Ataxia-Telangiectasia. To our knowledge, no experimental evidence demonstrating an impact on protein function has been reported. The following publications have been ascertained in the context of this evaluation (PMID: 26898890, 28779002, 28652578, 34326862). ClinVar contains an entry for this variant (Variation ID: 184752). Based on the evidence outlined above, the variant was classified as uncertain significance.

Baylor Genetics
Classification: Uncertain significance for Familial cancer of breast. Last evaluated: 2024-01-23. Review status: criteria provided, single submitter. Criteria: ACMG Guidelines, 2015. Collection method: clinical testing. Allele origin: unknown.

German Consortium for Hereditary Breast and Ovarian Cancer, University Hospital Cologne
Classification: Likely benign for Hereditary breast ovarian cancer syndrome. Last evaluated: 2024-01-08. Review status: criteria provided, single submitter. Criteria: ACMG Guidelines, 2015. Collection method: curation. Allele origin: germline.

CHEO Genetics Diagnostic Laboratory, Children's Hospital of Eastern Ontario
Classification: Uncertain significance for Breast and/or ovarian cancer. Last evaluated: 2023-03-23. Review status: criteria provided, single submitter. Criteria: ACMG Guidelines, 2015. Collection method: clinical testing. Allele origin: germline.

Myriad Genetics, Inc.
Classification: Likely benign for Familial cancer of breast. Last evaluated: 2023-03-07. Review status: criteria provided, single submitter. Criteria: Myriad Autosomal Dominant, Autosomal Recessive and X-Linked Classification Criteria (2023). Collection method: clinical testing. Allele origin: unknown.
Comment: This variant is considered likely benign. This variant is strongly associated with less severe personal and family histories of cancer, typical for individuals without pathogenic variants in this gene [PMID: 25085752].

Sema4
Classification: Uncertain significance for Hereditary cancer-predisposing syndrome. Last evaluated: 2021-06-11. Review status: criteria provided, single submitter. Criteria: Sema4 Curation Guidelines. Collection method: curation. Allele origin: germline.
Comment: The ATM c.2074C>T (p.R692C) variant has been reported in heterozygosity in at least two individuals with breast cancer (PMID: 26898890, 28779002) as well as healthy controls (PMID: 28652578, 33471991). It was observed in 1/34586 chromosomes of the Latino subpopulation in the large and broad cohorts of the Genome Aggregation Database. The variant has been reported in ClinVar (Variation ID 184752). In silico tools suggest the impact of the variant on protein function is inconclusive, though these predictions have not been confirmed by functional studies. The evidence is insufficient to meet ACMG/AMP criteria for classifying the variant as benign or pathogenic. Thus, the clinical significance of this variant is currently uncertain.

Ambry Genetics
Classification: Likely benign for Hereditary cancer-predisposing syndrome. Last evaluated: 2018-08-28. Review status: criteria provided, single submitter. Criteria: Ambry Variant Classification Scheme 2023. Collection method: clinical testing. Allele origin: germline.

Literature cited by the submitters: PubMed 26898890 (cited by 3 submitters); PubMed 28652578 (cited by 3 submitters); PubMed 34326862 (cited by Labcorp Genetics (formerly Invitae), Labcorp and Women's Health and Genetics/Laboratory Corporation of America, LabCorp); PubMed 28779002 (cited by 3 submitters); PubMed 25085752 (cited by Myriad Genetics, Inc.); PubMed 33471991 (cited by Sema4).

NM_000051.4(ATM):c.2074C>T (p.Arg692Cys)

Gene: ATM (ATM serine/threonine kinase; plus strand). Cytogenetic location: 11q22.3.
Variant type: single nucleotide variant.
Coding change: c.2074C>T on transcript NM_000051.4 (MANE Select); coding-DNA position 2074, C replaced by T.
Protein change: p.Arg692Cys; replaces arginine 692 with cysteine.
Molecular consequence: missense variant.
Genome position (GRCh38, 1-based): chr11:108,253,989, C>T. VCF-style: chr11-108253989-C-T. GRCh37 (hg19) VCF-style: chr11-108124716-C-T.
Other names: p.Arg692Cys; c.2074C>T, p.Arg692Cys (NM_001351834.2); short protein forms R692C.
Identifiers: ClinVar variation 184752 (VCV000184752.41), dbSNP rs765965513, ClinGen allele CA189945.